The following is an entry in ClinVar:

ClinVar aggregate classification (germline): Likely benign. Review status: criteria provided, multiple submitters, no conflicts (2 of 4 stars). 4 submissions from 4 submitters: Likely benign (3). 1 of the submissions does not count toward it. Last evaluated 2026-01-26.

Conditions:
ROR1-related disorder. Also called: ROR1-related condition.

Allele frequency attached by ClinVar (database versions not stated): 1000 Genomes Project 30x 0.00016; 1000 Genomes Project 0.00020; ESP Exome Variant Server 0.00069.
gnomAD v4.1: 222 of 1,614,022 alleles (0.014%); highest among the groups gnomAD compares: African/African-American, 0.17%; no homozygotes.

Submissions (4):

Labcorp Genetics (formerly Invitae), Labcorp
Classification: Likely benign. Last evaluated: 2026-01-26. Review status: criteria provided, single submitter. Criteria: Invitae Variant Classification Sherloc (09022015). Collection method: clinical testing. Allele origin: germline.

Blueprint Genetics
Classification: Likely benign. Last evaluated: 2024-11-14. Review status: criteria provided, single submitter. Criteria: ACMG Guidelines, 2015. Collection method: clinical testing. Allele origin: germline.

Breakthrough Genomics
Classification: Likely benign. Review status: criteria provided, single submitter. Criteria: ACMG Guidelines, 2015. Collection method: not provided. Allele origin: germline. Inheritance: Autosomal recessive inheritance. Affected: yes.

PreventionGenetics, part of Exact Sciences
Classification: Likely benign for ROR1-related condition. Last evaluated: 2019-10-29. Review status: no assertion criteria provided. Collection method: clinical testing. Allele origin: germline. Not counted in ClinVar's aggregate classification.
Comment: This variant is classified as likely benign based on ACMG/AMP sequence variant interpretation guidelines (Richards et al. 2015 PMID: 25741868, with internal and published modifications).

NM_005012.4(ROR1):c.1308G>A (p.Ser436=)

Gene: ROR1 (ROR family WNT receptor 1; plus strand). Cytogenetic location: 1p31.3.
Variant type: single nucleotide variant.
Coding change: c.1308G>A on transcript NM_005012.4 (MANE Select); coding-DNA position 1308, G replaced by A.
Protein change: p.Ser436=; no amino-acid change (serine 436 retained).
Molecular consequence: synonymous variant.
Genome position (GRCh38, 1-based): chr1:64,159,114, G>A. VCF-style: chr1-64159114-G-A. GRCh37 (hg19) VCF-style: chr1-64624797-G-A.
Other names: c.1308G>A (NM_005012.3).
Identifiers: ClinVar variation 1633530 (VCV001633530.11), dbSNP rs113606454, ClinGen allele CA890252.